The following is an entry in ClinVar:

ClinVar aggregate classification (germline): Uncertain significance (1 of 4 stars; one submission).

Conditions:
CLCN3-related disorder. Also called: CLCN3-related condition.

Submission:

PreventionGenetics, part of Exact Sciences
Classification: Uncertain significance for CLCN3-related condition. Last evaluated: 2023-04-18. Review status: criteria provided, single submitter. Criteria: ACMG Guidelines, 2015. Collection method: clinical testing. Allele origin: germline.
Comment: The CLCN3 c.824C>T variant is predicted to result in the amino acid substitution p.Ser275Leu. To our knowledge, this variant has not been reported in the literature or in a large population database, indicating this variant is rare. At this time, the clinical significance of this variant is uncertain due to the absence of conclusive functional and genetic evidence.

NM_001829.4(CLCN3):c.824C>T (p.Ser275Leu)

Gene: CLCN3 (chloride voltage-gated channel 3; plus strand). Cytogenetic location: 4q33.
Variant type: single nucleotide variant.
Coding change: c.824C>T on transcript NM_001829.4 (MANE Select); coding-DNA position 824, C replaced by T.
Protein change: p.Ser275Leu; replaces serine 275 with leucine.
Molecular consequence: missense variant.
Genome position (GRCh38, 1-based): chr4:169,692,208, C>T. VCF-style: chr4-169692208-C-T. GRCh37 (hg19) VCF-style: chr4-170613359-C-T.
Other names: c.824C>T, p.Ser275Leu (NM_001243372.2, NM_173872.4); c.743C>T, p.Ser248Leu (NM_001243374.2); short protein forms S248L, S275L.
Identifiers: ClinVar variation 2632869 (VCV002632869.1), dbSNP rs2477023403, ClinGen allele CA358737752.
Genomic context (GRCh38, chr4:169,692,208, plus strand): 5'-GTTACTTGGGAAAATGGACTTTAATGATTAAAACCATCACATTAGTCCTGGCTGTGGCAT[C>T]AGGTTTGAGTTTAGGAAAAGAAGGTCCCCTGGTACATGTTGCCTGTTGCTGCGGAAATAT-3'
Protein context (NP_001820.2, residues 265-285): KTITLVLAVA[Ser275Leu]GLSLGKEGPL